The following is an entry in ClinVar:

NM_001165963.4(SCN1A):c.962C>A (p.Ser321Ter)

Gene: SCN1A (sodium voltage-gated channel alpha subunit 1; minus strand). Cytogenetic location: 2q24.3.
Variant type: single nucleotide variant.
Coding change: c.962C>A on transcript NM_001165963.4 (MANE Select); coding-DNA position 962, C replaced by A.
Protein change: p.Ser321Ter; replaces serine 321 with a stop codon.
Molecular consequence: nonsense. On other transcripts: 5 prime UTR variant (1), non-coding transcript variant (1).
Genome position (GRCh38, 1-based): chr2:166,051,721, G>T on the plus strand (C>A on the coding strand, the complement: SCN1A is on the minus strand). VCF-style: chr2-166051721-G-T. GRCh37 (hg19) VCF-style: chr2-166908231-G-T.
Other names: c.962C>A, p.Ser321Ter (NM_001165964.3, NM_001202435.3, NM_001353948.2 and 10 more transcripts); c.-1464C>A (NM_001353961.2); short protein forms S321*.
Identifiers: ClinVar variation 4713345 (VCV004713345.1).

ClinVar aggregate classification (germline): Pathogenic (1 of 4 stars; one submission).

Conditions:
Early-infantile DEE. Also called: Early infantile epileptic encephalopathy; Ohtahara syndrome; Early infantile epileptic encephalopathy with suppression bursts. Identifiers: Orphanet 1934, MedGen C0393706, MONDO:0800491.

Submission:

Labcorp Genetics (formerly Invitae), Labcorp
Classification: Pathogenic for Early-infantile DEE. Last evaluated: 2025-02-18. Review status: criteria provided, single submitter. Criteria: Invitae Variant Classification Sherloc (09022015). Collection method: clinical testing. Allele origin: germline.
Comment: This sequence change creates a premature translational stop signal (p.Ser321*) in the SCN1A gene. It is expected to result in an absent or disrupted protein product. Loss-of-function variants in SCN1A are known to be pathogenic (PMID: 17347258, 18930999). This variant is not present in population databases (gnomAD no frequency). This premature translational stop signal has been observed in individual(s) with Dravet syndrome (PMID: 18930999, 35074891). Algorithms developed to predict the effect of sequence changes on RNA splicing suggest that this variant may disrupt the consensus splice site. For these reasons, this variant has been classified as Pathogenic.

Literature cited by the submitters: PubMed 17347258; PubMed 18930999; PubMed 35074891.